The following is an entry in ClinVar:

ClinVar aggregate classification (germline): Uncertain significance (1 of 4 stars; one submission).

Conditions:
POLD1-related polyposis and colorectal cancer syndrome (CRCS10). Also called: Colorectal cancer 10; COLORECTAL CANCER, SUSCEPTIBILITY TO, ON CHROMOSOME 19q; Colorectal cancer, susceptibility to, 10. Identifiers: Orphanet 220460, MedGen C2675481, MONDO:0012953, OMIM 612591.

Submission:

Labcorp Genetics (formerly Invitae), Labcorp
Classification: Uncertain significance for POLD1-related polyposis and colorectal cancer syndrome. Last evaluated: 2020-07-13. Review status: criteria provided, single submitter. Criteria: Invitae Variant Classification Sherloc (09022015). Collection method: clinical testing. Allele origin: germline.
Comment: This variant is not present in population databases (ExAC no frequency). Algorithms developed to predict the effect of missense changes on protein structure and function are either unavailable or do not agree on the potential impact of this missense change (SIFT: "Deleterious"; PolyPhen-2: "Probably Damaging"; Align-GVGD: "Class C0"). This variant has not been reported in the literature in individuals with POLD1-related conditions. In summary, the available evidence is currently insufficient to determine the role of this variant in disease. Therefore, it has been classified as a Variant of Uncertain Significance. This sequence change replaces aspartic acid with glutamic acid at codon 458 of the POLD1 protein (p.Asp458Glu). The aspartic acid residue is highly conserved and there is a small physicochemical difference between aspartic acid and glutamic acid.

NM_002691.4(POLD1):c.1374C>A (p.Asp458Glu)

Gene: POLD1 (DNA polymerase delta 1, catalytic subunit; plus strand). Cytogenetic location: 19q13.33.
Variant type: single nucleotide variant.
Coding change: c.1374C>A on transcript NM_002691.4 (MANE Select); coding-DNA position 1374, C replaced by A.
Protein change: p.Asp458Glu; replaces aspartic acid 458 with glutamic acid.
Molecular consequence: missense variant. On other transcripts: non-coding transcript variant (1).
Genome position (GRCh38, 1-based): chr19:50,406,313, C>A. VCF-style: chr19-50406313-C-A. GRCh37 (hg19) VCF-style: chr19-50909570-C-A.
Other names: c.1374C>A, p.Asp458Glu (NM_001256849.1, NM_001308632.1); short protein forms D458E.
Identifiers: ClinVar variation 1003732 (VCV001003732.8), dbSNP rs2038878765, ClinGen allele CA406979977.